The following is an entry in ClinVar:

NM_000256.3(MYBPC3):c.3670G>A (p.Asp1224Asn)

Gene: MYBPC3 (myosin binding protein C3; minus strand). Cytogenetic location: 11p11.2.
Variant type: single nucleotide variant.
Coding change: c.3670G>A on transcript NM_000256.3 (MANE Select); coding-DNA position 3670, G replaced by A.
Protein change: p.Asp1224Asn; replaces aspartic acid 1224 with asparagine.
Molecular consequence: missense variant.
Genome position (GRCh38, 1-based): chr11:47,332,216, C>T on the plus strand (G>A on the coding strand, the complement: MYBPC3 is on the minus strand). VCF-style: chr11-47332216-C-T. GRCh37 (hg19) VCF-style: chr11-47353767-C-T.
Other names: short protein forms D1224N.
Identifiers: ClinVar variation 1501774 (VCV001501774.9), dbSNP rs768751160, ClinGen allele CA079499.

ClinVar aggregate classification (germline): Uncertain significance. Review status: criteria provided, multiple submitters, no conflicts (2 of 4 stars). 2 submissions from 2 submitters: Uncertain significance (2). Last evaluated 2025-03-28.

Conditions:
Hypertrophic cardiomyopathy. Also called: HYPERTROPHIC MYOCARDIOPATHY. Identifiers: Orphanet 217569, MedGen C0007194, MeSH D002312, MONDO:0005045, HP:0001639.

Allele frequency attached by ClinVar (database versions not stated): gnomAD exomes below 0.00001; ExAC 0.00001.
gnomAD v4.1: 1 of 1,613,872 alleles (0.000062%); highest among the groups gnomAD compares: Non-Finnish European, 0.000085%; no homozygotes.

Submissions (2):

GeneDx
Classification: Uncertain significance. Last evaluated: 2025-03-28. Review status: criteria provided, single submitter. Criteria: GeneDx Variant Classification Process June 2021. Collection method: clinical testing. Allele origin: germline. Affected: yes.
Comment: Not observed at significant frequency in large population cohorts (gnomAD); In silico analysis supports that this missense variant has a deleterious effect on protein structure/function; Has not been previously published as pathogenic or benign to our knowledge

Labcorp Genetics (formerly Invitae), Labcorp
Classification: Uncertain significance for Hypertrophic cardiomyopathy. Last evaluated: 2020-12-06. Review status: criteria provided, single submitter. Criteria: Invitae Variant Classification Sherloc (09022015). Collection method: clinical testing. Allele origin: germline.
Comment: In summary, the available evidence is currently insufficient to determine the role of this variant in disease. Therefore, it has been classified as a Variant of Uncertain Significance. Algorithms developed to predict the effect of missense changes on protein structure and function output the following: SIFT: "Deleterious"; PolyPhen-2: "Benign"; Align-GVGD: "Class C0". The asparagine amino acid residue is found in multiple mammalian species, suggesting that this missense change does not adversely affect protein function. These predictions have not been confirmed by published functional studies and their clinical significance is uncertain. This variant has not been reported in the literature in individuals with MYBPC3-related conditions. This variant is present in population databases (rs768751160, ExAC 0.002%). This sequence change replaces aspartic acid with asparagine at codon 1224 of the MYBPC3 protein (p.Asp1224Asn). The aspartic acid residue is highly conserved and there is a small physicochemical difference between aspartic acid and asparagine.